The following is an entry in ClinVar:

NM_001148.6(ANK2):c.286-244T>C

Gene: ANK2 (ankyrin 2; plus strand). Cytogenetic location: 4q25.
Variant type: single nucleotide variant.
Coding change: c.286-244T>C on transcript NM_001148.6 (MANE Select); 244 bases into the intron before coding-DNA position 286, T replaced by C.
Molecular consequence: intron variant.
Genome position (GRCh38, 1-based): chr4:113,198,767, T>C. VCF-style: chr4-113198767-T-C. GRCh37 (hg19) VCF-style: chr4-114119923-T-C.
Other names: c.274-244T>C (NM_001386186.2, NM_001386148.2, NM_001354269.3 and 1 more transcripts); c.268-244T>C (NM_001386147.1, NM_001386160.1, NM_001354261.2); c.223-244T>C (NM_001354254.2, NM_001354239.2, NM_001354252.2 and 33 more transcripts); c.331-244T>C (NM_001354241.2, NM_001386152.1, NM_001354237.2 and 5 more transcripts); c.286-244T>C (NM_001354225.2, NM_001354235.2, NM_001354246.2 and 9 more transcripts); c.337-244T>C (NM_001386174.1, NM_001386175.1).
Identifiers: ClinVar variation 679054 (VCV000679054.1), dbSNP rs17045739, ClinGen allele CA104499780.

ClinVar aggregate classification (germline): Benign (1 of 4 stars; one submission).

Allele frequency attached by ClinVar (database versions not stated): gnomAD 0.05946 and 0.06406; 1000 Genomes Project 0.06170; TOPMed 0.06639; 1000 Genomes Project 30x 0.06699.
gnomAD v4.1: 8,949 of 152,094 alleles (5.9%); highest among the groups gnomAD compares: African/African-American, 20%; 888 homozygotes.

Submission:

GeneDx
Classification: Benign. Last evaluated: 2018-06-14. Review status: criteria provided, single submitter. Criteria: GeneDx Variant Classification (06012015). Collection method: clinical testing. Allele origin: germline. Affected: yes.
Comment: This variant is considered likely benign or benign based on one or more of the following criteria: it is a conservative change, it occurs at a poorly conserved position in the protein, it is predicted to be benign by multiple in silico algorithms, and/or has population frequency not consistent with disease.